The following is an entry in ClinVar:

ClinVar aggregate classification (germline): Uncertain significance. Review status: criteria provided, multiple submitters, no conflicts (2 of 4 stars). 2 submissions from 2 submitters: Uncertain significance (2). Last evaluated 2023-09-12.

Conditions:
Inborn genetic diseases. Identifiers: MedGen C0950123, MeSH D030342.

Allele frequency attached by ClinVar (database versions not stated): gnomAD 0.00001.

Submissions (2):

Ambry Genetics
Classification: Uncertain significance for Inborn genetic diseases. Last evaluated: 2023-09-12. Review status: criteria provided, single submitter. Criteria: Ambry Variant Classification Scheme 2023. Collection method: clinical testing. Allele origin: germline.

GeneDx
Classification: Uncertain significance. Last evaluated: 2023-02-02. Review status: criteria provided, single submitter. Criteria: GeneDx Variant Classification Process June 2021. Collection method: clinical testing. Allele origin: germline. Affected: yes.
Comment: Not observed at significant frequency in large population cohorts (gnomAD); In silico analysis supports that this missense variant does not alter protein structure/function; Has not been previously published as pathogenic or benign to our knowledge

NM_001378609.3(OTOGL):c.5761A>G (p.Met1921Val)

Gene: OTOGL (otogelin like; plus strand). Cytogenetic location: 12q21.31.
Variant type: single nucleotide variant.
Coding change: c.5761A>G on transcript NM_001378609.3 (MANE Select); coding-DNA position 5761, A replaced by G.
Protein change: p.Met1921Val; replaces methionine 1921 with valine.
Molecular consequence: missense variant.
Genome position (GRCh38, 1-based): chr12:80,355,903, A>G. VCF-style: chr12-80355903-A-G. GRCh37 (hg19) VCF-style: chr12-80749683-A-G.
Other names: c.5761A>G, p.Met1921Val (NM_001378610.3, NM_173591.7); c.5626A>G, p.Met1876Val (NM_001368062.3); short protein forms M1876V, M1921V.
Identifiers: ClinVar variation 2575003 (VCV002575003.3), dbSNP rs753136159, ClinGen allele CA385887255.